The following is an entry in ClinVar:

ClinVar aggregate classification (germline): Uncertain significance. Review status: criteria provided, multiple submitters, no conflicts (2 of 4 stars). 2 submissions from 2 submitters: Uncertain significance (2). Last evaluated 2024-12-27.

Conditions:
Adams-Oliver syndrome 1 (AOS1). Also called: ABSENCE DEFECT OF LIMBS, SCALP, AND SKULL; CONGENITAL SCALP DEFECTS WITH DISTAL LIMB REDUCTION ANOMALIES; APLASIA CUTIS CONGENITA WITH TERMINAL TRANSVERSE LIMB DEFECTS. Identifiers: Orphanet 974, MedGen C4551482, MONDO:0024506, OMIM 100300.

Allele frequency attached by ClinVar (database versions not stated): ExAC 0.00001; TOPMed 0.00001; gnomAD 0.00002.
gnomAD v4.1: 44 of 1,614,032 alleles (0.0027%); highest among the groups gnomAD compares: Non-Finnish European, 0.0036%; no homozygotes.

Submissions (2):

GeneDx
Classification: Uncertain significance. Last evaluated: 2024-12-27. Review status: criteria provided, single submitter. Criteria: GeneDx Variant Classification Process June 2021. Collection method: clinical testing. Allele origin: germline. Affected: yes.
Comment: Not observed at significant frequency in large population cohorts (gnomAD); In silico analysis indicates that this missense variant does not alter protein structure/function; Has not been previously published as pathogenic or benign to our knowledge

Revvity Omics, Revvity
Classification: Uncertain significance for Adams-Oliver syndrome 1. Last evaluated: 2019-01-17. Review status: criteria provided, single submitter. Criteria: ACMG Guidelines, 2015. Collection method: clinical testing. Allele origin: germline.

NM_020754.4(ARHGAP31):c.1276C>G (p.Arg426Gly)

Gene: ARHGAP31 (Rho GTPase activating protein 31; plus strand). Cytogenetic location: 3q13.33.
Variant type: single nucleotide variant.
Coding change: c.1276C>G on transcript NM_020754.4 (MANE Select); coding-DNA position 1276, C replaced by G.
Protein change: p.Arg426Gly; replaces arginine 426 with glycine.
Molecular consequence: missense variant.
Genome position (GRCh38, 1-based): chr3:119,402,028, C>G. VCF-style: chr3-119402028-C-G. GRCh37 (hg19) VCF-style: chr3-119120875-C-G.
Other names: short protein forms R426G.
Identifiers: ClinVar variation 2439152 (VCV002439152.4), dbSNP rs774182014, ClinGen allele CA2553793.